The following is an entry in ClinVar:

ClinVar aggregate classification (germline): Likely benign. Review status: criteria provided, single submitter (1 of 4 stars). 2 submissions from 2 submitters: Likely benign (1). 1 of the submissions does not count toward it. Last evaluated 2023-09-15.

Conditions:
Bardet-Biedl syndrome (BBS). Identifiers: Orphanet 110, MedGen C0752166, MONDO:0015229.
BBS5-related disorder. Also called: BBS5-related condition.

Allele frequency attached by ClinVar (database versions not stated): gnomAD exomes below 0.00001; ExAC 0.00001; TOPMed 0.00003; gnomAD 0.00004.
gnomAD v4.1: 8 of 1,613,506 alleles (0.0005%); highest among the groups gnomAD compares: African/African-American, 0.011%; no homozygotes.

Submissions (2):

Labcorp Genetics (formerly Invitae), Labcorp
Classification: Likely benign for Bardet-Biedl syndrome. Last evaluated: 2023-09-15. Review status: criteria provided, single submitter. Criteria: Invitae Variant Classification Sherloc (09022015). Collection method: clinical testing. Allele origin: germline.

PreventionGenetics, part of Exact Sciences
Classification: Likely benign for BBS5-related condition. Last evaluated: 2023-04-18. Review status: no assertion criteria provided. Collection method: clinical testing. Allele origin: germline. Not counted in ClinVar's aggregate classification.
Comment: This variant is classified as likely benign based on ACMG/AMP sequence variant interpretation guidelines (Richards et al. 2015 PMID: 25741868, with internal and published modifications).

NM_152384.3(BBS5):c.345T>G (p.Pro115=)

Gene: BBS5 (Bardet-Biedl syndrome 5; plus strand). Cytogenetic location: 2q31.1.
Variant type: single nucleotide variant.
Coding change: c.345T>G on transcript NM_152384.3 (MANE Select); coding-DNA position 345, T replaced by G.
Protein change: p.Pro115=; no amino-acid change (proline 115 retained).
Molecular consequence: synonymous variant.
Genome position (GRCh38, 1-based): chr2:169,488,073, T>G. VCF-style: chr2-169488073-T-G. GRCh37 (hg19) VCF-style: chr2-170344583-T-G.
Other names: c.345T>G (NM_152384.2).
Identifiers: ClinVar variation 2985532 (VCV002985532.5), dbSNP rs754743131, ClinGen allele CA1956188.